The following is an entry in ClinVar:

ClinVar aggregate classification (germline): Likely benign. Review status: criteria provided, multiple submitters, no conflicts (2 of 4 stars). 4 submissions from 4 submitters: Likely benign (4). Last evaluated 2026-07-02.

Conditions:
PDGFRB-related disorder. Also called: PDGFRB-related condition.
Skeletal overgrowth-craniofacial dysmorphism-hyperelastic skin-white matter lesions syndrome. Also called: SKELETAL OVERGROWTH WITH FACIAL DYSMORPHISM, HYPERELASTIC SKIN, WHITE MATTER LESIONS, AND NEUROLOGIC DETERIORATION; Kosaki overgrowth syndrome. Identifiers: Orphanet 477831, MedGen C4225270, MONDO:0014704, OMIM 616592.
Acroosteolysis-keloid-like lesions-premature aging syndrome. Also called: Premature aging syndrome, Penttinen type; Prematurely aged appearance, delayed bone maturation, acro-osteolysis, and brachydactyly; Progeroid syndrome, Penttinen type. Identifiers: Orphanet 363665, MedGen C1866182, MONDO:0011150, OMIM 601812.
Infantile myofibromatosis (IMF). Also called: Congenital generalized fibromatosis. Identifiers: Orphanet 2591, MedGen C0432284, MONDO:0016824.
Basal ganglia calcification, idiopathic, 4 (PFBC4). Also called: PRIMARY FAMILIAL BRAIN CALCIFICATION 4, AUTOSOMAL DOMINANT; Familial Idiopathic Basal Ganglia Calcification 4. Identifiers: Orphanet 1980, MedGen C3554321, MONDO:0014004, OMIM 615007.

Allele frequency attached by ClinVar (database versions not stated): TOPMed 0.00003; gnomAD exomes 0.00005; gnomAD 0.00004; ExAC 0.00007.
gnomAD v4.1: 84 of 1,613,172 alleles (0.0052%); highest among the groups gnomAD compares: Middle Eastern, 0.13%; no homozygotes.

Submissions (4):

PreventionGenetics, part of Exact Sciences
Classification: Likely benign for PDGFRB-related condition. Last evaluated: 2026-07-02. Review status: criteria provided, single submitter. Criteria: ACMG Guidelines, 2015. Collection method: clinical testing. Allele origin: germline.
Comment: This variant is classified as likely benign based on ACMG/AMP sequence variant interpretation guidelines (Richards et al. 2015 PMID: 25741868, with internal and published modifications).

Labcorp Genetics (formerly Invitae), Labcorp
Classification: Likely benign for Basal ganglia calcification, idiopathic, 4; Skeletal overgrowth-craniofacial dysmorphism-hyperelastic skin-white matter lesions syndrome; Infantile myofibromatosis; Acroosteolysis-keloid-like lesions-premature aging syndrome. Last evaluated: 2025-10-02. Review status: criteria provided, single submitter. Criteria: Invitae Variant Classification Sherloc (09022015). Collection method: clinical testing. Allele origin: germline.

Blueprint Genetics
Classification: Likely benign. Last evaluated: 2024-11-15. Review status: criteria provided, single submitter. Criteria: ACMG Guidelines, 2015. Collection method: clinical testing. Allele origin: germline.

CeGaT Center for Human Genetics Tuebingen
Classification: Likely benign. Last evaluated: 2018-06-01. Review status: criteria provided, single submitter. Criteria: CeGaT Center For Human Genetics Tuebingen Variant Classification Criteria Version 2. Collection method: clinical testing. Allele origin: germline. Affected: yes. Observed: 1 variant allele.

NM_002609.4(PDGFRB):c.2268C>T (p.Asp756=)

Gene: PDGFRB (platelet derived growth factor receptor beta; minus strand). Cytogenetic location: 5q32.
Variant type: single nucleotide variant.
Coding change: c.2268C>T on transcript NM_002609.4 (MANE Select); coding-DNA position 2268, C replaced by T.
Protein change: p.Asp756=; no amino-acid change (aspartic acid 756 retained).
Molecular consequence: synonymous variant.
Genome position (GRCh38, 1-based): chr5:150,121,956, G>A on the plus strand (C>T on the coding strand, the complement: PDGFRB is on the minus strand). VCF-style: chr5-150121956-G-A. GRCh37 (hg19) VCF-style: chr5-149501519-G-A.
Other names: c.2076C>T, p.Asp692= (NM_001355016.2); c.1785C>T, p.Asp595= (NM_001355017.2); c.2268C>T (NM_002609.3).
Identifiers: ClinVar variation 809827 (VCV000809827.48), dbSNP rs56112987, ClinGen allele CA3507697.